The following is an entry in ClinVar:

ClinVar aggregate classification (germline): Uncertain significance. Review status: criteria provided, multiple submitters, no conflicts (2 of 4 stars). 2 submissions from 2 submitters: Uncertain significance (2). Last evaluated 2024-04-18.

Conditions:
Cardiovascular phenotype. Identifiers: MedGen CN230736.
Hypertrophic cardiomyopathy 11. Also called: ACTC1-Related Familial Hypertrophic Cardiomyopathy. Identifiers: MedGen C2677506, MONDO:0012799, OMIM 612098.
Dilated cardiomyopathy 1R (CMD1R). Identifiers: Orphanet 154, Orphanet 54260, MedGen C3150681, MONDO:0013261, OMIM 613424.
Atrial septal defect 5 (ASD5). Identifiers: Orphanet 1478, MedGen C2748552, MONDO:0013011, OMIM 612794.

Submissions (2):

Labcorp Genetics (formerly Invitae), Labcorp
Classification: Uncertain significance for Dilated cardiomyopathy 1R; Hypertrophic cardiomyopathy 11; Atrial septal defect 5. Last evaluated: 2024-04-18. Review status: criteria provided, single submitter. Criteria: Invitae Variant Classification Sherloc (09022015). Collection method: clinical testing. Allele origin: germline.
Comment: This sequence change replaces proline, which is neutral and non-polar, with arginine, which is basic and polar, at codon 34 of the ACTC1 protein (p.Pro34Arg). This variant is not present in population databases (gnomAD no frequency). This variant has not been reported in the literature in individuals affected with ACTC1-related conditions. ClinVar contains an entry for this variant (Variation ID: 1038128). Advanced modeling of protein sequence and biophysical properties (such as structural, functional, and spatial information, amino acid conservation, physicochemical variation, residue mobility, and thermodynamic stability) performed at Invitae indicates that this missense variant is not expected to disrupt ACTC1 protein function with a negative predictive value of 80%. In summary, the available evidence is currently insufficient to determine the role of this variant in disease. Therefore, it has been classified as a Variant of Uncertain Significance.

Ambry Genetics
Classification: Uncertain significance for Cardiovascular phenotype. Last evaluated: 2019-06-04. Review status: criteria provided, single submitter. Criteria: Ambry Variant Classification Scheme 2023. Collection method: clinical testing. Allele origin: germline.
Comment: The p.P34R variant (also known as c.101C>G), located in coding exon 1 of the ACTC1 gene, results from a C to G substitution at nucleotide position 101. The proline at codon 34 is replaced by arginine, an amino acid with dissimilar properties. This amino acid position is highly conserved in available vertebrate species. In addition, this alteration is predicted to be deleterious by in silico analysis. Since supporting evidence is limited at this time, the clinical significance of this alteration remains unclear.

NM_005159.5(ACTC1):c.101C>G (p.Pro34Arg)

Genes: ACTC1 (actin alpha cardiac muscle 1; minus strand), GJD2-DT (GJD2 divergent transcript; plus strand). Cytogenetic location: 15q14.
Variant type: single nucleotide variant.
Coding change: c.101C>G on transcript NM_005159.5 (MANE Select); coding-DNA position 101, C replaced by G.
Protein change: p.Pro34Arg; replaces proline 34 with arginine.
Molecular consequence: missense variant.
Genome position (GRCh38, 1-based): chr15:34,794,708, G>C on the plus strand (C>G on the coding strand, the complement: ACTC1 is on the minus strand). VCF-style: chr15-34794708-G-C. GRCh37 (hg19) VCF-style: chr15-35086909-G-C.
Other names: short protein forms P34R.
Identifiers: ClinVar variation 1038128 (VCV001038128.10), dbSNP rs1373760624, ClinGen allele CA391633109.